The following is an entry in ClinVar:

ClinVar aggregate classification (germline): Uncertain significance. Review status: criteria provided, multiple submitters, no conflicts (2 of 4 stars). 2 submissions from 2 submitters: Uncertain significance (2). Last evaluated 2025-12-16.

Conditions:
Inborn genetic diseases. Identifiers: MedGen C0950123, MeSH D030342.

Submissions (2):

Ambry Genetics
Classification: Uncertain significance for Inborn genetic diseases. Last evaluated: 2025-12-16. Review status: criteria provided, single submitter. Criteria: Ambry Variant Classification Scheme 2023. Collection method: clinical testing. Allele origin: germline.

Labcorp Genetics (formerly Invitae), Labcorp
Classification: Uncertain significance. Last evaluated: 2024-03-05. Review status: criteria provided, single submitter. Criteria: Invitae Variant Classification Sherloc (09022015). Collection method: clinical testing. Allele origin: germline.
Comment: This sequence change replaces proline, which is neutral and non-polar, with histidine, which is basic and polar, at codon 2230 of the CACNA1G protein (p.Pro2230His). This variant is present in population databases (no rsID available, gnomAD 0.0009%). This variant has not been reported in the literature in individuals affected with CACNA1G-related conditions. Advanced modeling of protein sequence and biophysical properties (such as structural, functional, and spatial information, amino acid conservation, physicochemical variation, residue mobility, and thermodynamic stability) performed at Invitae indicates that this missense variant is not expected to disrupt CACNA1G protein function with a negative predictive value of 95%. In summary, the available evidence is currently insufficient to determine the role of this variant in disease. Therefore, it has been classified as a Variant of Uncertain Significance.

NM_018896.5(CACNA1G):c.6689C>A (p.Pro2230His)

Gene: CACNA1G (calcium voltage-gated channel subunit alpha1 G; plus strand). Cytogenetic location: 17q21.33.
Variant type: single nucleotide variant.
Coding change: c.6689C>A on transcript NM_018896.5 (MANE Select); coding-DNA position 6689, C replaced by A.
Protein change: p.Pro2230His; replaces proline 2230 with histidine.
Molecular consequence: missense variant. On other transcripts: non-coding transcript variant (5), intron variant (3).
Genome position (GRCh38, 1-based): chr17:50,626,306, C>A. VCF-style: chr17-50626306-C-A. GRCh37 (hg19) VCF-style: chr17-48703667-C-A.
Other names: c.6296C>A, p.Pro2099His (NM_001256361.2); c.6656C>A, p.Pro2219His (NM_198377.3); c.6377C>A, p.Pro2126His (NM_198378.3); c.6452C>A, p.Pro2151His (NM_198379.3); c.6521C>A, p.Pro2174His (NM_198380.3); c.6341C>A, p.Pro2114His (NM_198382.3); c.6476C>A, p.Pro2159His (NM_198383.3); c.6410C>A, p.Pro2137His (NM_198384.3); and 19 more; short protein forms P2080H, P2085H, P2092H, P2096H, P2099H, P2101H, P2103H, P2110H.
Identifiers: ClinVar variation 3610227 (VCV003610227.3).